The following is an entry in ClinVar:

NM_000789.4(ACE):c.1228C>T (p.Arg410Trp)

Gene: ACE (angiotensin I converting enzyme; plus strand). Cytogenetic location: 17q23.3.
Variant type: single nucleotide variant.
Coding change: c.1228C>T on transcript NM_000789.4 (MANE Select); coding-DNA position 1228, C replaced by T.
Protein change: p.Arg410Trp; replaces arginine 410 with tryptophan.
Molecular consequence: missense variant.
Genome position (GRCh38, 1-based): chr17:63,482,575, C>T. VCF-style: chr17-63482575-C-T. GRCh37 (hg19) VCF-style: chr17-61559936-C-T.
Other names: c.661C>T, p.Arg221Trp (NM_001382700.1); c.376C>T, p.Arg126Trp (NM_001382701.1); short protein forms R126W, R221W, R410W.
Identifiers: ClinVar variation 2956496 (VCV002956496.3), dbSNP rs370836540, ClinGen allele CA8699448.
Genomic context (GRCh38, chr17:63,482,575, plus strand): 5'-CATGAGATGGGCCATATACAGTACTACCTGCAGTACAAGGATCTGCCCGTCTCCCTGCGT[C>T]GGGGGGCCAACCCCGGCTTCCATGAGGCCATTGGGGACGTGCTGGCGCTCTCGGTCTCCA-3'
Protein context (NP_000780.1, residues 400-420): QYKDLPVSLR[Arg410Trp]GANPGFHEAI

ClinVar aggregate classification (germline): Uncertain significance (1 of 4 stars; one submission).

Allele frequency attached by ClinVar (database versions not stated): gnomAD 0.00001; gnomAD exomes 0.00001; TOPMed 0.00001; ExAC 0.00002; ESP Exome Variant Server 0.00008.
gnomAD v4.1: 21 of 1,613,960 alleles (0.0013%); highest among the groups gnomAD compares: South Asian, 0.011%; no homozygotes.

Submission:

Labcorp Genetics (formerly Invitae), Labcorp
Classification: Uncertain significance. Last evaluated: 2023-07-17. Review status: criteria provided, single submitter. Criteria: Invitae Variant Classification Sherloc (09022015). Collection method: clinical testing. Allele origin: germline.
Comment: In summary, the available evidence is currently insufficient to determine the role of this variant in disease. Therefore, it has been classified as a Variant of Uncertain Significance. Advanced modeling of protein sequence and biophysical properties (such as structural, functional, and spatial information, amino acid conservation, physicochemical variation, residue mobility, and thermodynamic stability) performed at Invitae indicates that this missense variant is not expected to disrupt ACE protein function. This variant has not been reported in the literature in individuals affected with ACE-related conditions. This variant is present in population databases (rs370836540, gnomAD 0.02%). This sequence change replaces arginine, which is basic and polar, with tryptophan, which is neutral and slightly polar, at codon 410 of the ACE protein (p.Arg410Trp).